The following is an entry in ClinVar:

NM_001199397.3(NEK1):c.1029A>G (p.Gln343=)

Gene: NEK1 (NIMA related kinase 1; minus strand). Cytogenetic location: 4q33.
Variant type: single nucleotide variant.
Coding change: c.1029A>G on transcript NM_001199397.3 (MANE Select); coding-DNA position 1029, A replaced by G.
Protein change: p.Gln343=; no amino-acid change (glutamine 343 retained).
Molecular consequence: synonymous variant. On other transcripts: non-coding transcript variant (2).
Genome position (GRCh38, 1-based): chr4:169,562,188, T>C on the plus strand (A>G on the coding strand, the complement: NEK1 is on the minus strand). VCF-style: chr4-169562188-T-C. GRCh37 (hg19) VCF-style: chr4-170483339-T-C.
Other names: c.1029A>G (NM_012224.2); c.1029A>G, p.Gln343= (NM_001199398.3, NM_001199399.3, NM_001199400.3 and 7 more transcripts).
Identifiers: ClinVar variation 2998668 (VCV002998668.4), dbSNP rs781088873, ClinGen allele CA3137874.

ClinVar aggregate classification (germline): Likely benign. Review status: criteria provided, single submitter (1 of 4 stars). 2 submissions from 2 submitters: Likely benign (1). 1 of the submissions does not count toward it. Last evaluated 2023-11-24.

Conditions:
NEK1-related disorder. Also called: NEK1-related condition.
Short-rib thoracic dysplasia 6 with or without polydactyly (SRTD6). Also called: POLYDACTYLY WITH NEONATAL CHONDRODYSTROPHY, TYPE II; SHORT RIB-POLYDACTYLY SYNDROME, TYPE IIA; SHORT-RIB THORACIC DYSPLASIA 6 WITH POLYDACTYLY; SHORT-RIB THORACIC DYSPLASIA 6 WITHOUT POLYDACTYLY; Majewski Syndrome. Identifiers: MedGen C0024507, MONDO:0009894, OMIM 263520.

Allele frequency attached by ClinVar (database versions not stated): TOPMed 0.00001; gnomAD exomes 0.00003.
gnomAD v4.1: 36 of 1,545,612 alleles (0.0023%); highest among the groups gnomAD compares: Non-Finnish European, 0.003%; no homozygotes.

Submissions (2):

Labcorp Genetics (formerly Invitae), Labcorp
Classification: Likely benign for Short-rib thoracic dysplasia 6 with or without polydactyly. Last evaluated: 2023-11-24. Review status: criteria provided, single submitter. Criteria: Invitae Variant Classification Sherloc (09022015). Collection method: clinical testing. Allele origin: germline.

PreventionGenetics, part of Exact Sciences
Classification: Likely benign for NEK1-related condition. Last evaluated: 2023-01-26. Review status: no assertion criteria provided. Collection method: clinical testing. Allele origin: germline. Not counted in ClinVar's aggregate classification.
Comment: This variant is classified as likely benign based on ACMG/AMP sequence variant interpretation guidelines (Richards et al. 2015 PMID: 25741868, with internal and published modifications).